The following is an entry in ClinVar:

NM_199242.3(UNC13D):c.570-9T>A

Gene: UNC13D (unc-13 homolog D; minus strand). Cytogenetic location: 17q25.1.
Variant type: single nucleotide variant.
Coding change: c.570-9T>A on transcript NM_199242.3 (MANE Select); 9 bases into the intron before coding-DNA position 570, T replaced by A.
Molecular consequence: intron variant.
Genome position (GRCh38, 1-based): chr17:75,841,010, A>T on the plus strand (T>A on the coding strand, the complement: UNC13D is on the minus strand). VCF-style: chr17-75841010-A-T. GRCh37 (hg19) VCF-style: chr17-73837091-A-T.
Identifiers: ClinVar variation 3038812 (VCV003038812.2), dbSNP rs2545986072, ClinGen allele CA2740093929.
Genomic context (GRCh38, chr17:75,841,010, plus strand): 5'-CACTCACCACATGTCCAGATGAAAGCTCGCATTGGTGATGTCCTCAAACTCCCTGTATGG[A>T]GAAAAGGGCGTGGTTGAGGGCCCTGGAGGGTGGATGCCCCCAGACGAAGCAGTAAGTGAC-3'

ClinVar aggregate classification (germline): Likely benign (0 of 4 stars; one submission).

Conditions:
UNC13D-related disorder. Also called: UNC13D-related condition.

Submission:

PreventionGenetics, part of Exact Sciences
Classification: Likely benign for UNC13D-related condition. Last evaluated: 2019-05-22. Review status: no assertion criteria provided. Collection method: clinical testing. Allele origin: germline.
Comment: This variant is classified as likely benign based on ACMG/AMP sequence variant interpretation guidelines (Richards et al. 2015 PMID: 25741868, with internal and published modifications).